The following is an entry in ClinVar:

ClinVar aggregate classification (germline): Conflicting classifications of pathogenicity. Review status: criteria provided, conflicting classifications (1 of 4 stars). 6 submissions from 6 submitters: Uncertain significance (4); Likely benign (1). 1 of the submissions does not count toward it. Last evaluated 2025-03-12.

Conditions:
Hereditary cancer-predisposing syndrome. Also called: Neoplastic Syndromes, Hereditary; Hereditary Cancer Syndrome; Tumor predisposition; Hereditary neoplastic syndrome. Identifiers: Orphanet 140162, MedGen C0027672, MeSH D009386, MONDO:0015356.
Ataxia-telangiectasia syndrome (AT). Also called: LOUIS-BAR SYNDROME; Cerebello-oculocutaneous telangiectasia; Immunodeficiency with ataxia telangiectasia; Ataxia-telangiectasia, complementation group D; AT, COMPLEMENTATION GROUP C; Ataxia-telangiectasia, complementation group E. Identifiers: Orphanet 100, MedGen C0004135, MONDO:0008840, OMIM 208900.
Familial cancer of breast. Also called: Hereditary breast cancer; BREAST CANCER, FAMILIAL; hereditary breast carcinoma. Identifiers: Orphanet 227535, MedGen C0346153, MONDO:0016419, OMIM 114480. Disease mechanism: loss of function.

Allele frequency attached by ClinVar (database versions not stated): TOPMed below 0.00001; gnomAD exomes 0.00001.
gnomAD v4.1: 3 of 1,612,756 alleles (0.00019%); highest among the groups gnomAD compares: Admixed American, 0.005%; no homozygotes.

Submissions (6):

Ambry Genetics
Classification: Likely benign for Hereditary cancer-predisposing syndrome. Last evaluated: 2025-03-12. Review status: criteria provided, single submitter. Criteria: Ambry Variant Classification Scheme 2023. Collection method: clinical testing. Allele origin: germline.

Labcorp Genetics (formerly Invitae), Labcorp
Classification: Uncertain significance for Ataxia-telangiectasia syndrome. Last evaluated: 2024-04-10. Review status: criteria provided, single submitter. Criteria: Invitae Variant Classification Sherloc (09022015). Collection method: clinical testing. Allele origin: germline.
Comment: This sequence change replaces lysine, which is basic and polar, with glutamic acid, which is acidic and polar, at codon 1972 of the ATM protein (p.Lys1972Glu). This variant is present in population databases (no rsID available, gnomAD 0.009%). This variant has not been reported in the literature in individuals affected with ATM-related conditions. ClinVar contains an entry for this variant (Variation ID: 407647). An algorithm developed to predict the effect of missense changes on protein structure and function (PolyPhen-2) suggests that this variant¬†is likely to be tolerated. In summary, the available evidence is currently insufficient to determine the role of this variant in disease. Therefore, it has been classified as a Variant of Uncertain Significance.

Women's Health and Genetics/Laboratory Corporation of America, LabCorp
Classification: Uncertain significance. Last evaluated: 2024-03-15. Review status: criteria provided, single submitter. Criteria: LabCorp Variant Classification Summary - May 2015. Collection method: clinical testing. Allele origin: germline.

Baylor Genetics
Classification: Uncertain significance for Familial cancer of breast. Last evaluated: 2024-02-29. Review status: criteria provided, single submitter. Criteria: ACMG Guidelines, 2015. Collection method: clinical testing. Allele origin: unknown.

Genetic Services Laboratory, University of Chicago
Classification: Uncertain significance. Last evaluated: 2019-06-28. Review status: criteria provided, single submitter. Criteria: ACMG Guidelines, 2015. Collection method: clinical testing. Allele origin: germline. Affected: no.

Natera, Inc.
Classification: Uncertain significance for Ataxia-telangiectasia. Last evaluated: 2020-10-30. Review status: no assertion criteria provided. Collection method: clinical testing. Allele origin: germline. Not counted in ClinVar's aggregate classification.

NM_000051.4(ATM):c.5914A>G (p.Lys1972Glu)

Genes: ATM (ATM serine/threonine kinase; plus strand), C11orf65 (chromosome 11 open reading frame 65; minus strand). Cytogenetic location: 11q22.3.
Variant type: single nucleotide variant.
Coding change: c.5914A>G on transcript NM_000051.4 (MANE Select); coding-DNA position 5914, A replaced by G.
Protein change: p.Lys1972Glu; replaces lysine 1972 with glutamic acid.
Molecular consequence: missense variant. On other transcripts: intron variant (2).
Genome position (GRCh38, 1-based): chr11:108,310,311, A>G. VCF-style: chr11-108310311-A-G. GRCh37 (hg19) VCF-style: chr11-108181038-A-G.
Other names: c.5914A>G, p.Lys1972Glu (NM_001351834.2); c.641-1240T>C (NM_001330368.2); c.*39-1240T>C (NM_001351110.2); short protein forms K1972E.
Identifiers: ClinVar variation 407647 (VCV000407647.33), dbSNP rs1060501652, ClinGen allele CA16613395.
Genomic context (GRCh38, chr11:108,310,311, plus strand): 5'-TTTACAGCTTTACTCTATGCAGAAATCTATGCAGATAAGAAAAGTATGGATGATCAAGAG[A>G]AAAGGTAATGGAATTTAGAATTTTTGGTTTTTAAAATTAATGTTGGCATTGTCTCAATAA-3'
Protein context (NP_000042.3, residues 1962-1982): ADKKSMDDQE[Lys1972Glu]RSLAFEEGSQ